The following is an entry in ClinVar:

ClinVar aggregate classification (germline): Benign. Review status: criteria provided, multiple submitters, no conflicts (2 of 4 stars). 14 submissions from 14 submitters: Benign (12). 2 of the submissions do not count toward it. Last evaluated 2026-02-04.

Conditions:
Myofibrillar myopathy 5. Also called: Filaminopathy (type); FILAMINOPATHY, AUTOSOMAL DOMINANT. Identifiers: Orphanet 171445, MedGen C1836050, MONDO:0012289, OMIM 609524.
Distal myopathy with posterior leg and anterior hand involvement. Also called: WILLIAMS DISTAL MYOPATHY. Identifiers: Orphanet 63273, MedGen C3279722, MONDO:0013550, OMIM 614065.
Hypertrophic cardiomyopathy 26. Also called: Cardiomyopathy, familial hypertrophic, 26. Identifiers: Orphanet 75249, MedGen C4310749, MONDO:0014883, OMIM 617047.
Cardiovascular phenotype. Identifiers: MedGen CN230736.

Allele frequency attached by ClinVar (database versions not stated): TOPMed 0.10830; gnomAD 0.11080 and 0.11154; gnomAD exomes 0.11227; ESP Exome Variant Server 0.11640; 1000 Genomes Project 30x 0.11930; 1000 Genomes Project 0.12181.
gnomAD v4.1: 181,161 of 1,613,948 alleles (11%); highest among the groups gnomAD compares: South Asian, 14%; 10,454 homozygotes.

Submissions (14):

Labcorp Genetics (formerly Invitae), Labcorp
Classification: Benign for Distal myopathy with posterior leg and anterior hand involvement; Myofibrillar myopathy 5; Hypertrophic cardiomyopathy 26. Last evaluated: 2026-02-04. Review status: criteria provided, single submitter. Criteria: Invitae Variant Classification Sherloc (09022015). Collection method: clinical testing. Allele origin: germline.

Molecular Diagnostic Laboratory for Inherited Cardiovascular Disease, Montreal Heart Institute
Classification: Benign. Last evaluated: 2025-04-09. Review status: criteria provided, single submitter. Criteria: ACMG Guidelines, 2015. Collection method: clinical testing. Allele origin: germline. Affected: no.

Blueprint Genetics
Classification: Benign. Last evaluated: 2024-11-27. Review status: criteria provided, single submitter. Criteria: ACMG Guidelines, 2015. Collection method: clinical testing. Allele origin: germline.

Women's Health and Genetics/Laboratory Corporation of America, LabCorp
Classification: Benign. Last evaluated: 2023-04-04. Review status: criteria provided, single submitter. Criteria: LabCorp Variant Classification Summary - May 2015. Collection method: clinical testing. Allele origin: germline.

Mayo Clinic Laboratories, Mayo Clinic
Classification: Benign. Last evaluated: 2022-04-26. Review status: criteria provided, single submitter. Criteria: ACMG Guidelines, 2015. Collection method: clinical testing. Allele origin: germline. Observed: 351 variant alleles.

Ambry Genetics
Classification: Benign for Cardiovascular phenotype. Last evaluated: 2018-12-21. Review status: criteria provided, single submitter. Criteria: Ambry Variant Classification Scheme 2023. Collection method: clinical testing. Allele origin: germline.

Athena Diagnostics
Classification: Benign. Last evaluated: 2017-09-12. Review status: criteria provided, single submitter. Criteria: Athena Diagnostics Criteria. Collection method: clinical testing. Allele origin: germline.

GeneDx
Classification: Benign. Last evaluated: 2016-02-08. Review status: criteria provided, single submitter. Criteria: GeneDx Variant Classification (06012015). Collection method: clinical testing. Allele origin: germline. Affected: yes.
Comment: This variant is considered likely benign or benign based on one or more of the following criteria: it is a conservative change, it occurs at a poorly conserved position in the protein, it is predicted to be benign by multiple in silico algorithms, and/or has population frequency not consistent with disease.

PreventionGenetics, part of Exact Sciences
Classification: Benign. Last evaluated: 2016-01-07. Review status: criteria provided, single submitter. Criteria: ACMG Guidelines, 2015. Collection method: clinical testing. Allele origin: germline.

Laboratory for Molecular Medicine, Mass General Brigham Personalized Medicine
Classification: Benign. Last evaluated: 2015-01-13. Review status: criteria provided, single submitter. Criteria: LMM Criteria. Collection method: clinical testing. Allele origin: germline. Observed: 5 variant alleles.
Comment: p.Ile240Ile in exon 4 of FLNC: This variant is not expected to have clinical sig nificance because it does not alter an amino acid residue and is not located wit hin the splice consensus sequence. It has been identified in 12.7% (553/4350) of African American chromosomes from a broad population by the NHLBI Exome Sequenc ing Project (dbSNP rs2291560).

Genetic Services Laboratory, University of Chicago
Classification: Benign for AllHighlyPenetrant. Last evaluated: 2013-08-15. Review status: criteria provided, single submitter. Criteria: ACMG Guidelines, 2007. Collection method: clinical testing. Allele origin: germline. Inheritance: Autosomal dominant inheritance.

Breakthrough Genomics
Classification: Benign. Review status: criteria provided, single submitter. Criteria: ACMG Guidelines, 2015. Collection method: not provided. Allele origin: germline. Inheritance: Autosomal dominant inheritance. Affected: yes.

Clinical Genetics, Academic Medical Center
Classification: Benign. Review status: no assertion criteria provided. Collection method: clinical testing. Allele origin: germline. Affected: yes. Study: VKGL Data-share Consensus. Not counted in ClinVar's aggregate classification.

Joint Genome Diagnostic Labs from Nijmegen and Maastricht, Radboudumc and MUMC+
Classification: Benign. Review status: no assertion criteria provided. Collection method: clinical testing. Allele origin: germline. Affected: yes. Study: VKGL Data-share Consensus. Not counted in ClinVar's aggregate classification.

NM_001458.5(FLNC):c.720T>C (p.Ile240=)

Gene: FLNC (filamin C; plus strand). Cytogenetic location: 7q32.1.
Variant type: single nucleotide variant.
Coding change: c.720T>C on transcript NM_001458.5 (MANE Select); coding-DNA position 720, T replaced by C.
Protein change: p.Ile240=; no amino-acid change (isoleucine 240 retained).
Molecular consequence: synonymous variant.
Genome position (GRCh38, 1-based): chr7:128,837,418, T>C. VCF-style: chr7-128837418-T-C. GRCh37 (hg19) VCF-style: chr7-128477472-T-C.
Other names: p.Ile240=; c.720T>C, p.Ile240= (NM_001127487.2).
Identifiers: ClinVar variation 129096 (VCV000129096.29), dbSNP rs2291560, ClinGen allele CA152877.